The following is an entry in ClinVar:

NM_001849.4(COL6A2):c.802G>C (p.Gly268Arg)

Gene: COL6A2 (collagen type VI alpha 2 chain; plus strand). Cytogenetic location: 21q22.3.
Variant type: single nucleotide variant.
Coding change: c.802G>C on transcript NM_001849.4 (MANE Select); coding-DNA position 802, G replaced by C.
Protein change: p.Gly268Arg; replaces glycine 268 with arginine.
Molecular consequence: missense variant.
Genome position (GRCh38, 1-based): chr21:46,115,872, G>C. VCF-style: chr21-46115872-G-C. GRCh37 (hg19) VCF-style: chr21-47535786-G-C.
Other names: c.802G>C, p.Gly268Arg (NM_058174.3, NM_058175.3); short protein forms G268R.
Identifiers: ClinVar variation 1479856 (VCV001479856.8), dbSNP rs2123625485, ClinGen allele CA410524580.

ClinVar aggregate classification (germline): Likely pathogenic (1 of 4 stars; one submission).

Conditions:
Bethlem myopathy 1A. Also called: Bethlem myopathy 1; Bethlem Muscular Dystrophy; MYOPATHY, BENIGN CONGENITAL, WITH CONTRACTURES. Identifiers: Orphanet 610, MedGen CN029274, MONDO:0024530, OMIM 158810.

Submission:

Labcorp Genetics (formerly Invitae), Labcorp
Classification: Likely pathogenic for Bethlem myopathy 1A. Last evaluated: 2021-04-29. Review status: criteria provided, single submitter. Criteria: Invitae Variant Classification Sherloc (09022015). Collection method: clinical testing. Allele origin: germline.
Comment: This variant has not been reported in the literature in individuals with COL6A2-related conditions. Algorithms developed to predict the effect of missense changes on protein structure and function are either unavailable or do not agree on the potential impact of this missense change (SIFT: "Deleterious"; PolyPhen-2: "Probably Damaging"; Align-GVGD: "Class C0"). This variant disrupts the triple helix domain of COL6A2. Glycine residues within the Gly-Xaa-Yaa repeats of the triple helix domain are required for the structure and stability of fibrillar collagens (PMID: 7695699, 8218237, 19344236). In COL6A2, missense variants at these glycine residues are significantly enriched in individuals with autosomal dominant disease (PMID: 15689448, 24038877) compared to the general population (ExAC). In summary, the currently available evidence indicates that the variant is pathogenic, but additional data are needed to prove that conclusively. Therefore, this variant has been classified as Likely Pathogenic. This variant is not present in population databases (ExAC no frequency). This sequence change replaces glycine with arginine at codon 268 of the COL6A2 protein (p.Gly268Arg). The glycine residue is highly conserved and there is a moderate physicochemical difference between glycine and arginine.

Literature cited by the submitters: PubMed 7695699; PubMed 8218237; PubMed 19344236; PubMed 15689448; PubMed 24038877.